The following is an entry in ClinVar:

NM_005006.7(NDUFS1):c.*158T>C

Gene: NDUFS1 (NADH:ubiquinone oxidoreductase core subunit S1; minus strand). Cytogenetic location: 2q33.3.
Variant type: single nucleotide variant.
Coding change: c.*158T>C on transcript NM_005006.7 (MANE Select); 158 bases downstream of the stop codon, T replaced by C.
Molecular consequence: 3 prime UTR variant.
Genome position (GRCh38, 1-based): chr2:206,124,027, A>G on the plus strand (T>C on the coding strand, the complement: NDUFS1 is on the minus strand). VCF-style: chr2-206124027-A-G. GRCh37 (hg19) VCF-style: chr2-206988751-A-G.
Other names: c.*158T>C (NM_001199981.2, NM_001199982.2, NM_001199983.2 and 1 more transcripts).
Identifiers: ClinVar variation 333776 (VCV000333776.6), dbSNP rs3770989, ClinGen allele CA10613697.

ClinVar aggregate classification (germline): Benign/Likely benign. Review status: criteria provided, multiple submitters, no conflicts (2 of 4 stars). 3 submissions from 2 submitters: Benign (1); Likely benign (2). Last evaluated 2018-01-13.

Conditions:
Mitochondrial complex I deficiency, nuclear type 1. Also called: NADH-COENZYME Q REDUCTASE DEFICIENCY; MITOCHONDRIAL NADH DEHYDROGENASE COMPONENT OF COMPLEX I, DEFICIENCY OF. Identifiers: MedGen C6022305, MONDO:0100224, OMIM 252010.
Leigh syndrome (NULS). Also called: Leigh's syndrome; Leigh Syndrome (mtDNA deletion); Leigh Disease; Leigh's necrotizing encephalopathy; Leigh's disease; Subacute necrotizing encephalopathy. Identifiers: Orphanet 506, MedGen C2931891, MONDO:0009723, OMIM 256000.

Allele frequency attached by ClinVar (database versions not stated): 1000 Genomes Project 30x 0.02374; TOPMed 0.02492; gnomAD 0.02533 and 0.02543; 1000 Genomes Project 0.02556.

Submissions (3):

Illumina Laboratory Services, Illumina
Classification: Likely benign for Mitochondrial complex I deficiency, nuclear type 1. Last evaluated: 2018-01-13. Review status: criteria provided, single submitter. Criteria: ICSL Variant Classification Criteria 13 December 2019. Collection method: clinical testing. Allele origin: germline.
Comment: This variant was observed in the ICSL laboratory as part of a predisposition screen in an ostensibly healthy population. It had not been previously curated by ICSL or reported in the Human Gene Mutation Database (HGMD: prior to June 1st, 2018), and was therefore a candidate for classification through an automated scoring system. Utilizing variant allele frequency, disease prevalence and penetrance estimates, and inheritance mode, an automated score was calculated to assess if this variant is too frequent to cause the disease. Based on the score and internal cut-off values, a variant classified as likely benign is not then subjected to further curation. The score for this variant resulted in a classification of likely benign for this disease.

Illumina Laboratory Services, Illumina
Classification: Benign for Leigh syndrome. Last evaluated: 2018-01-13. Review status: criteria provided, single submitter. Criteria: ICSL Variant Classification Criteria 13 December 2019. Collection method: clinical testing. Allele origin: germline.
Comment: This variant was observed in the ICSL laboratory as part of a predisposition screen in an ostensibly healthy population. It had not been previously curated by ICSL or reported in the Human Gene Mutation Database (HGMD: prior to June 1st, 2018), and was therefore a candidate for classification through an automated scoring system. Utilizing variant allele frequency, disease prevalence and penetrance estimates, and inheritance mode, an automated score was calculated to assess if this variant is too frequent to cause the disease. Based on the score and internal cut-off values, a variant classified as benign is not then subjected to further curation. The score for this variant resulted in a classification of benign for this disease.

Breakthrough Genomics
Classification: Likely benign. Review status: criteria provided, single submitter. Criteria: ACMG Guidelines, 2015. Collection method: not provided. Allele origin: germline. Inheritance: Autosomal recessive inheritance. Affected: yes.